The following is an entry in ClinVar:

ClinVar aggregate classification (germline): Likely benign. Review status: criteria provided, multiple submitters, no conflicts (2 of 4 stars). 3 submissions from 3 submitters: Likely benign (3). Last evaluated 2026-01-31.

Conditions:
Catecholaminergic polymorphic ventricular tachycardia 1. Also called: RYR2-Related Catecholaminergic Polymorphic Ventricular Tachycardia; VENTRICULAR TACHYCARDIA, STRESS-INDUCED POLYMORPHIC 1; VENTRICULAR TACHYCARDIA, CATECHOLAMINERGIC POLYMORPHIC, 1, WITH OR WITHOUT ATRIAL DYSFUNCTION AND/OR DILATED CARDIOMYOPATHY. Identifiers: Orphanet 3286, MedGen C1631597, MONDO:0011484, OMIM 604772.

Allele frequency attached by ClinVar (database versions not stated): gnomAD 0.00005 and 0.00006; TOPMed 0.00006; ESP Exome Variant Server 0.00008; gnomAD exomes 0.00008; ExAC 0.00012; 1000 Genomes Project 30x 0.00016; 1000 Genomes Project 0.00020.
gnomAD v4.1: 207 of 1,602,880 alleles (0.013%); highest among the groups gnomAD compares: Middle Eastern, 0.14%; no homozygotes.

Submissions (3):

Labcorp Genetics (formerly Invitae), Labcorp
Classification: Likely benign for Catecholaminergic polymorphic ventricular tachycardia 1. Last evaluated: 2026-01-31. Review status: criteria provided, single submitter. Criteria: Invitae Variant Classification Sherloc (09022015). Collection method: clinical testing. Allele origin: germline.

Blueprint Genetics
Classification: Likely benign. Last evaluated: 2024-07-16. Review status: criteria provided, single submitter. Criteria: ACMG Guidelines, 2015. Collection method: clinical testing. Allele origin: germline.

GeneDx
Classification: Likely benign. Last evaluated: 2016-11-07. Review status: criteria provided, single submitter. Criteria: GeneDx Variant Classification (06012015). Collection method: clinical testing. Allele origin: germline. Affected: yes.
Comment: This variant is considered likely benign or benign based on one or more of the following criteria: it is a conservative change, it occurs at a poorly conserved position in the protein, it is predicted to be benign by multiple in silico algorithms, and/or has population frequency not consistent with disease.

NM_006073.4(TRDN):c.1537+17C>T

Gene: TRDN (triadin; minus strand). Cytogenetic location: 6q22.31.
Variant type: single nucleotide variant.
Coding change: c.1537+17C>T on transcript NM_006073.4 (MANE Select); 17 bases into the intron after coding-DNA position 1537, C replaced by T.
Molecular consequence: intron variant.
Genome position (GRCh38, 1-based): chr6:123,279,039, G>A on the plus strand (C>T on the coding strand, the complement: TRDN is on the minus strand). VCF-style: chr6-123279039-G-A. GRCh37 (hg19) VCF-style: chr6-123600184-G-A.
Identifiers: ClinVar variation 390647 (VCV000390647.11), dbSNP rs369584691, ClinGen allele CA3983883.